The following is an entry in ClinVar:

NM_138694.4(PKHD1):c.668G>C (p.Gly223Ala)

Gene: PKHD1 (PKHD1 ciliary IPT domain containing fibrocystin/polyductin; minus strand). Cytogenetic location: 6p12.2.
Variant type: single nucleotide variant.
Coding change: c.668G>C on transcript NM_138694.4 (MANE Select); coding-DNA position 668, G replaced by C.
Protein change: p.Gly223Ala; replaces glycine 223 with alanine.
Molecular consequence: missense variant.
Genome position (GRCh38, 1-based): chr6:52,070,445, C>G on the plus strand (G>C on the coding strand, the complement: PKHD1 is on the minus strand). VCF-style: chr6-52070445-C-G. GRCh37 (hg19) VCF-style: chr6-51935243-C-G.
Other names: c.668G>C, p.Gly223Ala (NM_170724.3); short protein forms G223A.
Identifiers: ClinVar variation 4892342 (VCV004892342.2).

ClinVar aggregate classification (germline): Uncertain significance. Review status: criteria provided, multiple submitters, no conflicts (2 of 4 stars). 2 submissions from 2 submitters: Uncertain significance (2). Last evaluated 2026-08-01.

Submissions (2):

CeGaT Center for Human Genetics Tuebingen
Classification: Uncertain significance. Last evaluated: 2026-08-01. Review status: criteria provided, single submitter. Criteria: CeGaT Center For Human Genetics Tuebingen Variant Classification Criteria Version 2. Collection method: clinical testing. Allele origin: germline. Affected: yes. Observed: 1 variant allele.
Comment: PKHD1: PM2, PM5, PP4

Blueprint Genetics
Classification: Uncertain significance. Last evaluated: 2024-10-25. Review status: criteria provided, single submitter. Criteria: ACMG Guidelines, 2015. Collection method: clinical testing. Allele origin: germline.